The following is an entry in ClinVar:

ClinVar aggregate classification (germline): Uncertain significance (1 of 4 stars; one submission).

Conditions:
Short-rib thoracic dysplasia 8 with or without polydactyly (SRTD8). Also called: SHORT-RIB THORACIC DYSPLASIA 8 WITH POLYDACTYLY. Identifiers: Orphanet 93271, MedGen C3809691, MONDO:0014214, OMIM 615503.

Submission:

Labcorp Genetics (formerly Invitae), Labcorp
Classification: Uncertain significance for Short-rib thoracic dysplasia 8 with or without polydactyly. Last evaluated: 2024-12-16. Review status: criteria provided, single submitter. Criteria: Invitae Variant Classification Sherloc (09022015). Collection method: clinical testing. Allele origin: germline.
Comment: This variant, c.788_790del, results in the deletion of 1 amino acid(s) of the WDR60 protein (p.Glu263del), but otherwise preserves the integrity of the reading frame. This variant is present in population databases (rs779018183, gnomAD 0.0008%). This variant has not been reported in the literature in individuals affected with WDR60-related conditions. Experimental studies and prediction algorithms are not available or were not evaluated, and the functional significance of this variant is currently unknown. In summary, the available evidence is currently insufficient to determine the role of this variant in disease. Therefore, it has been classified as a Variant of Uncertain Significance.

NM_018051.5(DYNC2I1):c.785AAG[1] (p.Glu263del)

Gene: DYNC2I1 (dynein 2 intermediate chain 1; plus strand). Cytogenetic location: 7q36.3.
Variant type: Microsatellite.
Coding change: c.785AAG[1] on transcript NM_018051.5 (MANE Select); one copy of the 3-base unit AAG starting at c.785; the reference has two copies in a row; one copy, 3 bases deleted.
Protein change: p.Glu263del; deletes glutamic acid 263.
Molecular consequence: inframe deletion. On other transcripts: 5 prime UTR variant (3).
Genome position (GRCh38, 1-based): chr7:158,879,898-158,879,900, AAG deleted; deleting any 3 consecutive bases within chr7:158,879,895-158,879,900 gives the same sequence; the position shown is the placement nearest the transcript's 3' end. VCF-style (leftmost placement, unchanged base first): chr7-158879894-AAAG-A. GRCh37 (hg19) VCF-style: chr7-158672585-AAAG-A.
Other names: c.647AAG[1], p.Glu217del (NM_001350914.2); c.268AAG[1], p.Lys91del (NM_001350915.2); c.-574AAG[1] (NM_001350916.2); c.-582AAG[1] (NM_001350917.2); c.-701AAG[1] (NM_001350918.2); short protein forms K91del, E263del, E217del.
Identifiers: ClinVar variation 2197204 (VCV002197204.4), dbSNP rs779018183, ClinGen allele CA4594388.